The following is an entry in ClinVar:

NM_032638.5(GATA2):c.1061C>G (p.Thr354Arg)

Gene: GATA2 (GATA binding protein 2; minus strand). Cytogenetic location: 3q21.3.
Variant type: single nucleotide variant.
Coding change: c.1061C>G on transcript NM_032638.5 (MANE Select); coding-DNA position 1061, C replaced by G.
Protein change: p.Thr354Arg; replaces threonine 354 with arginine.
Molecular consequence: missense variant.
Genome position (GRCh38, 1-based): chr3:128,481,901, G>C on the plus strand (C>G on the coding strand, the complement: GATA2 is on the minus strand). VCF-style: chr3-128481901-G-C. GRCh37 (hg19) VCF-style: chr3-128200744-G-C.
Other names: c.1061C>G, p.Thr354Arg (NM_001145661.2); c.1019C>G, p.Thr340Arg (NM_001145662.1); short protein forms T340R, T354R.
Identifiers: ClinVar variation 1184242 (VCV001184242.1), dbSNP rs387906631, ClinGen allele CA354413617.

ClinVar aggregate classification (germline): Likely pathogenic (1 of 4 stars; one submission).

Conditions:
Deafness-lymphedema-leukemia syndrome. Also called: Emberger syndrome; Lymphedema, primary, with myelodysplasia. Identifiers: Orphanet 3226, MedGen C3279664, MONDO:0013540, OMIM 614038.
GATA2 deficiency with susceptibility to MDS/AML. Identifiers: MedGen CN300066, MONDO:0042982.

Submission:

Molecular Pathology Research Laboratory, SA Pathology
Classification: Likely pathogenic for GATA2 deficiency with susceptibility to MDS/AML; Deafness-lymphedema-leukemia syndrome. Last evaluated: 2021-07-06. Review status: criteria provided, single submitter. Criteria: ACMG Guidelines, 2015. Collection method: curation. Allele origin: germline. Inheritance: Autosomal dominant inheritance. Affected: yes. Observed: 1 variant allele.
Comment: PS4_Supporting, PM1, PM2, PM5, PP3

Literature cited by the submitters: PubMed 29724903.